The following is an entry in ClinVar:

NM_001126108.2(SLC12A3):c.990_1005del (p.Pro331fs)

Gene: SLC12A3 (solute carrier family 12 member 3; plus strand). Cytogenetic location: 16q13.
Variant type: Deletion.
Coding change: c.990_1005del on transcript NM_001126108.2 (MANE Select); coding-DNA positions 990 to 1005, 16 bases deleted (GCCTGACTGGCGGGGT).
Protein change: p.Pro331fs; shifts the reading frame from proline 331.
Molecular consequence: frameshift variant.
Genome position (GRCh38, 1-based): chr16:56,872,681-56,872,696, GCCTGACTGGCGGGGT deleted; deleting any 16 consecutive bases within chr16:56,872,678-56,872,696 gives the same sequence; the c. name uses the placement nearest the transcript's 3' end. VCF-style (leftmost placement, unchanged base first): chr16-56872677-TGGTGCCTGACTGGCGG-T. GRCh37 (hg19) VCF-style: chr16-56906589-TGGTGCCTGACTGGCGG-T.
Other names: c.990_1005del, p.Pro331fs (NM_000339.3); c.987_1002del, p.Pro330fs (NM_001126107.2, NM_001410896.1); short protein forms P330fs, P331fs.
Identifiers: ClinVar variation 4818217 (VCV004818217.1).

ClinVar aggregate classification (germline): Likely pathogenic (1 of 4 stars; one submission).

Conditions:
Familial hypokalemia-hypomagnesemia (GTLMNS). Also called: POTASSIUM AND MAGNESIUM DEPLETION; HYPOMAGNESEMIA-HYPOKALEMIA, PRIMARY RENOTUBULAR, WITH HYPOCALCIURIA; gitelman syndrome. Identifiers: Orphanet 358, MedGen C0268450, MONDO:0009904, OMIM 263800.

Submission:

Natera, Inc.
Classification: Likely pathogenic for Gitelman syndrome. Last evaluated: 2025-02-24. Review status: criteria provided, single submitter. Criteria: Natera Variant Classification Schema (03/2026). Collection method: clinical testing. Allele origin: germline.
Comment: The c.990_1005delGCCTGACTGGCGGGGT variant in SLC12A3 is a frameshift variant predicted to shift the reading frame beginning at codon 331 and leads to a stop codon 34 codons downstream. This variant is expected to result in nonsense mediated decay, truncation, or a dysfunctional protein product. This variant is rare in the general population with a frequency below the threshold expected for the associated phenotype(s). Given the available evidence, this variant is classified as Likely Pathogenic.